The following is an entry in ClinVar:

ClinVar aggregate classification (germline): Pathogenic/Likely pathogenic. Review status: criteria provided, multiple submitters, no conflicts (2 of 4 stars). 5 submissions from 5 submitters: Pathogenic (4); Likely pathogenic (1). Last evaluated 2025-09-06.

Conditions:
X-linked Opitz G/BBB syndrome (GBBB). Also called: OPITZ BBBG SYNDROME, TYPE I; OPITZ SYNDROME, X-LINKED; OPITZ-G SYNDROME, TYPE I; MID1-Related Opitz G/BBB Syndrome; Opitz-Frias syndrome. Identifiers: Orphanet 2745, MedGen C2936904, MONDO:0010222, OMIM 300000.

Submissions (5):

Labcorp Genetics (formerly Invitae), Labcorp
Classification: Pathogenic. Last evaluated: 2025-09-06. Review status: criteria provided, single submitter. Criteria: Invitae Variant Classification Sherloc (09022015). Collection method: clinical testing. Allele origin: germline.
Comment: This sequence change replaces alanine, which is neutral and non-polar, with threonine, which is neutral and polar, at codon 130 of the MID1 protein (p.Ala130Thr). This variant is not present in population databases (gnomAD no frequency). This missense change has been observed in individuals with Opitz GBBB syndrome (PMID: 17221865, 18949047, 27749392; internal data). ClinVar contains an entry for this variant (Variation ID: 973281). Invitae Evidence Modeling of protein sequence and biophysical properties (such as structural, functional, and spatial information, amino acid conservation, physicochemical variation, residue mobility, and thermodynamic stability) indicates that this missense variant is not expected to disrupt MID1 protein function with a negative predictive value of 80%. Experimental studies have shown that this missense change affects MID1 function (PMID: 25207814). This variant disrupts the p.Ala130 amino acid residue in MID1. Other variant(s) that disrupt this residue have been observed in individuals with MID1-related conditions (PMID: 17221865, 27749392), which suggests that this may be a clinically significant amino acid residue. For these reasons, this variant has been classified as Pathogenic.

Fulgent Genetics
Classification: Pathogenic for X-linked Opitz G/BBB syndrome. Last evaluated: 2024-04-05. Review status: criteria provided, single submitter. Criteria: ACMG Guidelines, 2015. Collection method: clinical testing. Allele origin: germline.

Women's Health and Genetics/Laboratory Corporation of America, LabCorp
Classification: Pathogenic for X-linked Opitz G/BBB syndrome. Last evaluated: 2024-04-04. Review status: criteria provided, single submitter. Criteria: LabCorp Variant Classification Summary - May 2015. Collection method: clinical testing. Allele origin: germline.
Comment: Variant summary: MID1 c.388G>A (p.Ala130Thr) results in a non-conservative amino acid change located in the B-box-type zinc finger domain (IPR000315) of the encoded protein sequence. Five of five in-silico tools predict a damaging effect of the variant on protein function. The variant was absent in 183398 control chromosomes (gnomAD). c.388G>A has been reported in the literature in male individuals affected with Opitz G/BBB syndrome, including at least two cases where it was reported as de novo (e.g. Ferrentino_2007, Aranda-Orgills_2008, Pinto_2017). These data indicate that the variant is likely to be associated with disease. At least one publication reports experimental evidence evaluating an impact on protein function and found that the variant did not impair binding to microtubules, it severely reduced transport bidirectionally along microtubules (Aranda-Orgills_2008). The following publications have been ascertained in the context of this evaluation (PMID: 18949047, 17221865, 27749392). ClinVar contains an entry for this variant (Variation ID: 973281). Based on the evidence outlined above, the variant was classified as pathogenic.

Clinical Genomics Laboratory, Stanford Medicine
Classification: Pathogenic for X-linked Opitz G/BBB syndrome. Last evaluated: 2023-05-19. Review status: criteria provided, single submitter. Criteria: ACMG Guidelines, 2015. Collection method: clinical testing. Allele origin: maternal. Inheritance: X-linked inheritance. Affected: yes. Observed: 2 variant alleles, 1 heterozygote, 1 hemizygote.
Comment: The p.Ala130Thr variant in the MID1 gene has been previously reported in at least 3 unrelated individuals with features of Opitz G/BBB syndrome and segregated with disease in 2 affected individuals from 1 family (PMID: 17221865; PMID: 18360914; PMID: 18949047; PMID: 27749392). This variant was absent from large population databases, including the Genome Aggregation Database. This variant is present in ClinVar (Accession: VCV000973281.11). This variant occurs in an established functional domain of the MID1 protein known as the Bbox1 domain (PMID: 25207814). Other disease-associated variants have been described in this region and at this amino acid residue (p.Ala130Val, p.Cys142Ser, p.Cys145Tyr, p.Pro151Leu). Functional studies of the p.Ala130Thr variant demonstrated that this variant has a deleterious impact on protein function (PMID: 25207814; PMID: 25216264). The alanine at position 130 is evolutionarily conserved. Computational tools predict that the p.Ala130Thr variant is deleterious; however, the accuracy of in silico algorithms is limited. These data were assessed using the ACMG/AMP variant interpretation guidelines. In summary, there is sufficient evidence to classify the p.Ala130Thr variant as pathogenic for X-linked Opitz G/BBB syndrome based on the information above. [ACMG evidence codes used: PM6_Strong; PM1; PM2; PS3_Moderate; PP3; PP1_Supporting]

Illumina Laboratory Services, Illumina
Classification: Likely pathogenic for Opitz GBBB syndrome, type I. Last evaluated: 2019-12-05. Review status: criteria provided, single submitter. Criteria: ICSLVariantClassificationCriteria RUGD 01 April 2020. Collection method: clinical testing. Allele origin: unknown.
Comment: The MID1 c.388G>A (p.Ala130Thr) variant is a missense variant. Across a selection of the available literature, the p.Ala130Thr variant has been identified in at least two individuals in a hemizygous state, one of whom presented with laryngo-tracheo-esophageal defects and hypospadias and the other one presented with hypertelorism, broad nasal bridge, strabismus, cleft lip and palate, hypospadias and small ears with a right pre-auricular pit (Aranda-OrgillÃ©s et al. 2008; Fontanella et al. 2008). The p.Ala130Thr is not reported in the Genome Aggregation Database despite good sequence coverage, so the variant is presumed to be rare. The Ala130 residue is highly conserved and lies in the Bbox1 domain of the MID1 protein (Du et al. 2014). NMR studies and computational modeling revealed that the p.Ala130Thr variant Bbox1 domain failed to coordinate the structurally essential zinc ions and resulted in an unfolded structure (Zhao et al. 2015). In addition, the p.Ala130Thr variant protein was unable to catalyze the polyubiquitination of its substrate and while it bound to microtubules, it could not be actively transported (Aranda-OrgillÃ©s et al. 2008; Du et al. 2014). Another missense change at the same residue, p.Ala130Val has also been observed in an affected individual who had hypertelorism, cleft lip and palate, and laryngo-tracheo-esophageal defects (Fontanella et al. 2008). Based on the collective evidence, and application of the ACMG criteria, the p.Ala130Thr variant is classified as likely pathogenic for Opitz G/BBB syndrome.

Literature cited by the submitters: PubMed 17221865 (cited by 3 submitters); PubMed 18949047 (cited by 4 submitters); PubMed 27749392 (cited by 3 submitters); PubMed 25207814 (cited by 3 submitters); PubMed 18360914 (cited by Clinical Genomics Laboratory, Stanford Medicine and Illumina Laboratory Services, Illumina); PubMed 25216264 (cited by Clinical Genomics Laboratory, Stanford Medicine); PubMed 25874572 (cited by Illumina Laboratory Services, Illumina).

NM_000381.4(MID1):c.388G>A (p.Ala130Thr)

Gene: MID1 (midline 1; minus strand). Cytogenetic location: Xp22.2.
Variant type: single nucleotide variant.
Coding change: c.388G>A on transcript NM_000381.4 (MANE Select); coding-DNA position 388, G replaced by A.
Protein change: p.Ala130Thr; replaces alanine 130 with threonine.
Molecular consequence: missense variant.
Genome position (GRCh38, 1-based): chrX:10,567,160, C>T on the plus strand (G>A on the coding strand, the complement: MID1 is on the minus strand). VCF-style: chrX-10567160-C-T. GRCh37 (hg19) VCF-style: chrX-10535200-C-T.
Other names: c.388G>A, p.Ala130Thr (NM_001098624.2, NM_001193277.1, NM_001193278.1 and 5 more transcripts); short protein forms A130T.
Identifiers: ClinVar variation 973281 (VCV000973281.12), dbSNP rs1934582371, ClinGen allele CA412048467.